The following is an entry in ClinVar:

ClinVar aggregate classification (germline): Uncertain significance. Review status: criteria provided, multiple submitters, no conflicts (2 of 4 stars). 2 submissions from 2 submitters: Uncertain significance (2). Last evaluated 2025-09-20.

Conditions:
Primary dilated cardiomyopathy (DCM). Also called: Dilated Cardiomyopathy. Identifiers: Orphanet 217604, MedGen C0007193, MeSH D002311, MONDO:0005021, HP:0001644. Inheritance: Various modes of inheritance.

Allele frequency attached by ClinVar (database versions not stated): TOPMed 0.00001; ExAC 0.00002; gnomAD 0.00003.
gnomAD v4.1: 15 of 1,609,038 alleles (0.00093%); highest among the groups gnomAD compares: African/African-American, 0.017%; 1 homozygote.

Submissions (2):

Labcorp Genetics (formerly Invitae), Labcorp
Classification: Uncertain significance for Primary dilated cardiomyopathy. Last evaluated: 2025-09-20. Review status: criteria provided, single submitter. Criteria: Invitae Variant Classification Sherloc (09022015). Collection method: clinical testing. Allele origin: germline.
Comment: This sequence change replaces histidine, which is basic and polar, with tyrosine, which is neutral and polar, at codon 867 of the NEBL protein (p.His867Tyr). This variant is present in population databases (rs753961523, gnomAD 0.02%). This variant has not been reported in the literature in individuals affected with NEBL-related conditions. ClinVar contains an entry for this variant (Variation ID: 1793602). An algorithm developed to predict the effect of missense changes on protein structure and function (PolyPhen-2) suggests that this variant is likely to be disruptive. Algorithms developed to predict the effect of sequence changes on RNA splicing suggest that this variant may disrupt the consensus splice site. In summary, the available evidence is currently insufficient to determine the role of this variant in disease. Therefore, it has been classified as a Variant of Uncertain Significance.

Ambry Genetics
Classification: Uncertain significance. Last evaluated: 2022-07-06. Review status: criteria provided, single submitter. Criteria: Ambry Variant Classification Scheme 2023. Collection method: clinical testing. Allele origin: germline.
Comment: The p.H867Y variant (also known as c.2599C>T), located in coding exon 25 of the NEBL gene, results from a C to T substitution at nucleotide position 2599. The histidine at codon 867 is replaced by tyrosine, an amino acid with similar properties. This amino acid position is conserved. In addition, this alteration is predicted to be tolerated by in silico analysis. Since supporting evidence is limited at this time, the clinical significance of this alteration remains unclear.

NM_006393.3(NEBL):c.2599C>T (p.His867Tyr)

Gene: NEBL (nebulette; minus strand). Cytogenetic location: 10p12.31.
Variant type: single nucleotide variant.
Coding change: c.2599C>T on transcript NM_006393.3 (MANE Select); coding-DNA position 2599, C replaced by T.
Protein change: p.His867Tyr; replaces histidine 867 with tyrosine.
Molecular consequence: missense variant. On other transcripts: intron variant (8).
Genome position (GRCh38, 1-based): chr10:20,809,818, G>A on the plus strand (C>T on the coding strand, the complement: NEBL is on the minus strand). VCF-style: chr10-20809818-G-A. GRCh37 (hg19) VCF-style: chr10-21098747-G-A.
Other names: c.610C>T, p.His204Tyr (NM_001377322.1); c.421+2951C>T (NM_001377326.1, NM_001377327.1, NM_001377328.1); c.529+2951C>T (NM_213569.2, NM_001173484.2); c.472+2951C>T (NM_001377324.1); c.463+2951C>T (NM_001377325.1); c.481+2951C>T (NM_001377323.1); short protein forms H867Y, H204Y.
Identifiers: ClinVar variation 1793602 (VCV001793602.7), dbSNP rs753961523, ClinGen allele CA5432403.